The following is an entry in ClinVar:

ClinVar aggregate classification (germline): Uncertain significance (1 of 4 stars; one submission).

Conditions:
LZTFL1-related disorder. Also called: LZTFL1-related condition.

Submission:

PreventionGenetics, part of Exact Sciences
Classification: Uncertain significance for LZTFL1-related condition. Last evaluated: 2025-09-10. Review status: criteria provided, single submitter. Criteria: ACMG Guidelines, 2015. Collection method: clinical testing. Allele origin: germline.
Comment: The LZTFL1 c.587A>G variant is predicted to result in the amino acid substitution p.Gln196Arg. To our knowledge, this variant has not been reported in the literature or in a large population database (gnomAD), indicating this variant is rare. At this time, the clinical significance of this variant is uncertain due to the absence of conclusive functional and genetic evidence.

NM_020347.4(LZTFL1):c.587A>G (p.Gln196Arg)

Gene: LZTFL1 (leucine zipper transcription factor like 1; minus strand). Cytogenetic location: 3p21.31.
Variant type: single nucleotide variant.
Coding change: c.587A>G on transcript NM_020347.4 (MANE Select); coding-DNA position 587, A replaced by G.
Protein change: p.Gln196Arg; replaces glutamine 196 with arginine.
Molecular consequence: missense variant. On other transcripts: non-coding transcript variant (2).
Genome position (GRCh38, 1-based): chr3:45,830,926, T>C on the plus strand (A>G on the coding strand, the complement: LZTFL1 is on the minus strand). VCF-style: chr3-45830926-T-C. GRCh37 (hg19) VCF-style: chr3-45872418-T-C.
Other names: c.536A>G, p.Gln179Arg (NM_001276378.2, NM_001386451.1, NM_001405922.1 and 4 more transcripts); c.575A>G, p.Gln192Arg (NM_001276379.2, NM_001405921.1); c.587A>G, p.Gln196Arg (NM_001386452.1); c.611A>G, p.Gln204Arg (NM_001405920.1, NM_001405925.1); c.521A>G, p.Gln174Arg (NM_001405924.1); short protein forms Q196R, Q179R, Q192R, Q174R, Q204R.
Identifiers: ClinVar variation 4994439 (VCV004994439.1).